The following is an entry in ClinVar:

NM_017934.7(PHIP):c.1339A>G (p.Thr447Ala)

Gene: PHIP (PHIP subunit of CUL4-Ring ligase complex; minus strand). Cytogenetic location: 6q14.1.
Variant type: single nucleotide variant.
Coding change: c.1339A>G on transcript NM_017934.7 (MANE Select); coding-DNA position 1339, A replaced by G.
Protein change: p.Thr447Ala; replaces threonine 447 with alanine.
Molecular consequence: missense variant.
Genome position (GRCh38, 1-based): chr6:79,015,680, T>C on the plus strand (A>G on the coding strand, the complement: PHIP is on the minus strand). VCF-style: chr6-79015680-T-C. GRCh37 (hg19) VCF-style: chr6-79725397-T-C.
Other names: short protein forms T447A.
Identifiers: ClinVar variation 1310317 (VCV001310317.3), dbSNP rs1422482749, ClinGen allele CA364634586.

ClinVar aggregate classification (germline): Uncertain significance. Review status: criteria provided, multiple submitters, no conflicts (2 of 4 stars). 2 submissions from 2 submitters: Uncertain significance (2). Last evaluated 2025-08-19.

Conditions:
Inborn genetic diseases. Identifiers: MedGen C0950123, MeSH D030342.

Allele frequency attached by ClinVar (database versions not stated): TOPMed below 0.00001; gnomAD 0.00001; gnomAD exomes 0.00001.
gnomAD v4.1: 5 of 1,608,776 alleles (0.00031%); highest among the groups gnomAD compares: Non-Finnish European, 0.00034%; no homozygotes.

Submissions (2):

Ambry Genetics
Classification: Uncertain significance for Inborn genetic diseases. Last evaluated: 2025-08-19. Review status: criteria provided, single submitter. Criteria: Ambry Variant Classification Scheme 2023. Collection method: clinical testing. Allele origin: germline.

GeneDx
Classification: Uncertain significance. Last evaluated: 2019-11-15. Review status: criteria provided, single submitter. Criteria: GeneDx Variant Classification Process June 2021. Collection method: clinical testing. Allele origin: germline. Affected: yes.
Comment: Not observed in large population cohorts (Lek et al., 2016); In silico analysis, which includes protein predictors and evolutionary conservation, supports that this variant does not alter protein structure/function; Has not been previously published as pathogenic or benign to our knowledge